The following is an entry in ClinVar:

ClinVar aggregate classification (germline): Benign/Likely benign. Review status: criteria provided, multiple submitters, no conflicts (2 of 4 stars). 7 submissions from 7 submitters: Benign (6); Likely benign (1). Last evaluated 2026-01-05.

Conditions:
RETREG1-related disorder. Also called: RETREG1-related condition.
Inborn genetic diseases. Identifiers: MedGen C0950123, MeSH D030342.
Neuropathy, hereditary sensory and autonomic, type 2B (HSAN2B). Also called: RETREG1-Related HSAN2 (HSAN2B). Identifiers: Orphanet 970, MedGen C2751092, MONDO:0013142, OMIM 613115.

Allele frequency attached by ClinVar (database versions not stated): gnomAD exomes 0.00092 and 0.00219; ExAC 0.00266; 1000 Genomes Project 0.00699; 1000 Genomes Project 30x 0.00734; ESP Exome Variant Server 0.00830; gnomAD 0.00939; TOPMed 0.01005.
gnomAD v4.1: 2,753 of 1,613,908 alleles (0.17%); highest among the groups gnomAD compares: African/African-American, 3.2%; 40 homozygotes.

Submissions (7):

Labcorp Genetics (formerly Invitae), Labcorp
Classification: Benign. Last evaluated: 2026-01-05. Review status: criteria provided, single submitter. Criteria: Invitae Variant Classification Sherloc (09022015). Collection method: clinical testing. Allele origin: germline.

PreventionGenetics, part of Exact Sciences
Classification: Benign for RETREG1-related condition. Last evaluated: 2025-02-26. Review status: criteria provided, single submitter. Criteria: ACMG Guidelines, 2015. Collection method: clinical testing. Allele origin: germline.
Comment: This variant is classified as benign based on ACMG/AMP sequence variant interpretation guidelines (Richards et al. 2015 PMID: 25741868, with internal and published modifications).

ARUP Laboratories, Molecular Genetics and Genomics, ARUP Laboratories
Classification: Benign for Neuropathy, hereditary sensory and autonomic, type 2B. Last evaluated: 2024-04-23. Review status: criteria provided, single submitter. Criteria: ARUP Molecular Germline Variant Investigation Process 2024. Collection method: clinical testing. Allele origin: germline.

Ambry Genetics
Classification: Likely benign for Inborn genetic diseases. Last evaluated: 2019-07-11. Review status: criteria provided, single submitter. Criteria: Ambry Variant Classification Scheme 2023. Collection method: clinical testing. Allele origin: germline.

Illumina Laboratory Services, Illumina
Classification: Benign for Neuropathy, hereditary sensory and autonomic, type 2B. Last evaluated: 2018-01-13. Review status: criteria provided, single submitter. Criteria: ICSL Variant Classification Criteria 13 December 2019. Collection method: clinical testing. Allele origin: germline.
Comment: This variant was observed in the ICSL laboratory as part of a predisposition screen in an ostensibly healthy population. It had not been previously curated by ICSL or reported in the Human Gene Mutation Database (HGMD: prior to June 1st, 2018), and was therefore a candidate for classification through an automated scoring system. Utilizing variant allele frequency, disease prevalence and penetrance estimates, and inheritance mode, an automated score was calculated to assess if this variant is too frequent to cause the disease. Based on the score and internal cut-off values, a variant classified as benign is not then subjected to further curation. The score for this variant resulted in a classification of benign for this disease.

GeneDx
Classification: Benign. Last evaluated: 2016-06-02. Review status: criteria provided, single submitter. Criteria: GeneDx Variant Classification (06012015). Collection method: clinical testing. Allele origin: germline. Affected: yes.
Comment: This variant is considered likely benign or benign based on one or more of the following criteria: it is a conservative change, it occurs at a poorly conserved position in the protein, it is predicted to be benign by multiple in silico algorithms, and/or has population frequency not consistent with disease.

Breakthrough Genomics
Classification: Benign. Review status: criteria provided, single submitter. Criteria: ACMG Guidelines, 2015. Collection method: not provided. Allele origin: germline. Inheritance: Autosomal recessive inheritance. Affected: yes.

NM_001034850.3(RETREG1):c.438G>A (p.Leu146=)

Gene: RETREG1 (reticulophagy regulator 1; minus strand). Cytogenetic location: 5p15.1.
Variant type: single nucleotide variant.
Coding change: c.438G>A on transcript NM_001034850.3 (MANE Select); coding-DNA position 438, G replaced by A.
Protein change: p.Leu146=; no amino-acid change (leucine 146 retained).
Molecular consequence: synonymous variant.
Genome position (GRCh38, 1-based): chr5:16,565,783, C>T on the plus strand (G>A on the coding strand, the complement: RETREG1 is on the minus strand). VCF-style: chr5-16565783-C-T. GRCh37 (hg19) VCF-style: chr5-16565892-C-T.
Identifiers: ClinVar variation 352694 (VCV000352694.27), dbSNP rs61741225, ClinGen allele CA3210467.